The following is an entry in ClinVar:

NM_020975.6(RET):c.1264-4del

Gene: RET (ret proto-oncogene; plus strand). Cytogenetic location: 10q11.21.
Variant type: Deletion.
Coding change: c.1264-4del on transcript NM_020975.6 (MANE Select); 4 bases into the intron before coding-DNA position 1264, one base deleted (C; older notation c.1264-4delC).
Molecular consequence: intron variant.
Genome position (GRCh38, 1-based): chr10:43,111,203, C deleted; the last of 6 consecutive C bases (chr10:43,111,198-43,111,203); deleting any one gives the same sequence. VCF-style (leftmost placement, unchanged base first): chr10-43111197-GC-G. GRCh37 (hg19) VCF-style: chr10-43606645-GC-G.
Other names: c.1264-4delC (NM_020975.4); c.1264-4del (NM_020630.7, NM_001406743.1, NM_001406744.1 and 4 more transcripts); c.868-4del (NM_001406772.1, NM_001406769.1); c.826-4del (NM_001406773.1, NM_001406771.1); c.626-896del (NM_001406782.1, NM_001406780.1, NM_001406779.1 and 3 more transcripts); c.1135-4del (NM_001406764.1, NM_001406762.1, NM_001406761.1 and 1 more transcripts); c.739-4del (NM_001406774.1); c.497-896del (NM_001406786.1, NM_001406783.1); and 6 more.
Identifiers: ClinVar variation 2066039 (VCV002066039.7), dbSNP rs1814685980, ClinGen allele CA593289954.

ClinVar aggregate classification (germline): Conflicting classifications of pathogenicity. Review status: criteria provided, conflicting classifications (1 of 4 stars). 3 submissions from 3 submitters: Uncertain significance (2); Benign (1). Last evaluated 2024-04-29.

Conditions:
Hereditary cancer-predisposing syndrome. Also called: Tumor predisposition; Hereditary neoplastic syndrome; Neoplastic Syndromes, Hereditary; Hereditary Cancer Syndrome. Identifiers: Orphanet 140162, MedGen C0027672, MeSH D009386, MONDO:0015356.
Multiple endocrine neoplasia, type 2 (MEN2). Identifiers: Orphanet 653, MedGen C4048306, MONDO:0019003. Disease mechanism: gain of function.

Submissions (3):

Labcorp Genetics (formerly Invitae), Labcorp
Classification: Benign for Multiple endocrine neoplasia, type 2. Last evaluated: 2024-04-29. Review status: criteria provided, single submitter. Criteria: Invitae Variant Classification Sherloc (09022015). Collection method: clinical testing. Allele origin: germline.

All of Us Research Program, National Institutes of Health
Classification: Uncertain significance for Multiple endocrine neoplasia, type 2. Last evaluated: 2023-06-26. Review status: criteria provided, single submitter. Criteria: ACMG Guidelines, 2015. Collection method: clinical testing. Allele origin: germline. Inheritance: Autosomal dominant inheritance. Observed: 2 variant alleles, 2 heterozygotes.
Comment: This variant causes a deletion of 1 nucleotide in intron 6 of the RET gene. To our knowledge, functional studies have not been reported for this variant. This variant has not been reported in individuals affected with RET-related disorders in the literature. This variant has not been identified in the general population by the Genome Aggregation Database (gnomAD). The available evidence is insufficient to determine the role of this variant in disease conclusively. Therefore, this variant is classified as a Variant of Uncertain Significance.

This study involves interpretation of variants in research participants for the purpose of population health screening. Participant phenotype was not available at the time of variant classification. Additional details can be found in publication PMID: 35346344, PMCID: PMC8962531

Ambry Genetics
Classification: Uncertain significance for Hereditary cancer-predisposing syndrome. Last evaluated: 2023-05-15. Review status: criteria provided, single submitter. Criteria: Ambry Variant Classification Scheme 2023. Collection method: clinical testing. Allele origin: germline.
Comment: The c.1264-4delC intronic variant, located in intron 6 of the RET gene, results from a deletion of one nucleotide within intron 6 of the RET gene. This nucleotide position is well conserved in available vertebrate species. In silico splice site analysis for this alteration is inconclusive. Since supporting evidence is limited at this time, the clinical significance of this alteration remains unclear.